The following is an entry in ClinVar:

NM_001042492.3(NF1):c.6748G>A (p.Val2250Ile)

Gene: NF1 (neurofibromin 1; plus strand). Cytogenetic location: 17q11.2.
Variant type: single nucleotide variant.
Coding change: c.6748G>A on transcript NM_001042492.3 (MANE Select); coding-DNA position 6748, G replaced by A.
Protein change: p.Val2250Ile; replaces valine 2250 with isoleucine.
Molecular consequence: missense variant.
Genome position (GRCh38, 1-based): chr17:31,338,068, G>A. VCF-style: chr17-31338068-G-A. GRCh37 (hg19) VCF-style: chr17-29665086-G-A.
Other names: c.6685G>A, p.Val2229Ile (NM_000267.4); short protein forms V2229I, V2250I.
Identifiers: ClinVar variation 1017258 (VCV001017258.5), dbSNP rs1208488322, ClinGen allele CA399014072.

ClinVar aggregate classification (germline): Uncertain significance (1 of 4 stars; one submission).

Conditions:
Neurofibromatosis, type 1 (NF1). Also called: VON RECKLINGHAUSEN DISEASE; Neurofibromatosis, type I; NEUROFIBROMATOSIS, TYPE I, SOMATIC; Peripheral type neurofibromatosis. Identifiers: Orphanet 636, MedGen C0027831, MONDO:0018975, OMIM 162200. Disease mechanism: loss of function.

Allele frequency attached by ClinVar (database versions not stated): gnomAD exomes below 0.00001; TOPMed below 0.00001; gnomAD 0.00001.
gnomAD v4.1: 2 of 1,613,784 alleles (0.00012%); highest among the groups gnomAD compares: Non-Finnish European, 0.00017%; no homozygotes.

Submission:

Labcorp Genetics (formerly Invitae), Labcorp
Classification: Uncertain significance for Neurofibromatosis, type 1. Last evaluated: 2021-11-22. Review status: criteria provided, single submitter. Criteria: Invitae Variant Classification Sherloc (09022015). Collection method: clinical testing. Allele origin: germline.
Comment: In summary, the available evidence is currently insufficient to determine the role of this variant in disease. Therefore, it has been classified as a Variant of Uncertain Significance. Advanced modeling of protein sequence and biophysical properties (such as structural, functional, and spatial information, amino acid conservation, physicochemical variation, residue mobility, and thermodynamic stability) performed at Invitae indicates that this missense variant is not expected to disrupt NF1 protein function. ClinVar contains an entry for this variant (Variation ID: 1017258). This variant has not been reported in the literature in individuals affected with NF1-related conditions. This variant is not present in population databases (gnomAD no frequency). This sequence change replaces valine, which is neutral and non-polar, with isoleucine, which is neutral and non-polar, at codon 2229 of the NF1 protein (p.Val2229Ile).